The following is an entry in ClinVar:

NM_000138.5(FBN1):c.6173T>C (p.Met2058Thr)

Gene: FBN1 (fibrillin 1; minus strand). Cytogenetic location: 15q21.1.
Variant type: single nucleotide variant.
Coding change: c.6173T>C on transcript NM_000138.5 (MANE Select); coding-DNA position 6173, T replaced by C.
Protein change: p.Met2058Thr; replaces methionine 2058 with threonine.
Molecular consequence: missense variant.
Genome position (GRCh38, 1-based): chr15:48,437,908, A>G on the plus strand (T>C on the coding strand, the complement: FBN1 is on the minus strand). VCF-style: chr15-48437908-A-G. GRCh37 (hg19) VCF-style: chr15-48730105-A-G.
Other names: c.6173T>C, p.Met2058Thr (NM_001406716.1); short protein forms M2058T.
Identifiers: ClinVar variation 3074975 (VCV003074975.1), dbSNP rs2505438907, ClinGen allele CA392337313.
Genomic context (GRCh38, chr15:48,437,908, plus strand): 5'-TGATTTCTGGATTTGGGTGATGAACACTTTCCTCCTTCAAACTTCGCATAACAGTAGCTC[A>G]TTCGCAAATCTGCAGCATAAATTTATGACACCCTTCAGTTGCTTTCCTACTGAGTCCGTA-3'
Protein context (NP_000129.3, residues 2048-2068): SSGRRCQDLR[Met2058Thr]SYCYAKFEGG

ClinVar aggregate classification (germline): Uncertain significance (1 of 4 stars; one submission).

Conditions:
Marfan syndrome (MFS). Also called: MARFAN SYNDROME, TYPE I; Marfan syndrome type 1; Marfan's syndrome; Marfan syndrome, classic; FBN1-Related Marfan Syndrome. Identifiers: Orphanet 284963, Orphanet 558, MedGen C0024796, MONDO:0007947, OMIM 154700.

Allele frequency attached by ClinVar (database versions not stated): gnomAD exomes below 0.00001.

Submission:

All of Us Research Program, National Institutes of Health
Classification: Uncertain significance for Marfan syndrome. Last evaluated: 2024-01-11. Review status: criteria provided, single submitter. Criteria: ACMG Guidelines, 2015. Collection method: clinical testing. Allele origin: germline. Inheritance: Autosomal dominant inheritance. Observed: 1 variant allele, 1 heterozygote.
Comment: This study involves interpretation of variants in research participants for the purpose of population health screening. Participant phenotype was not available at the time of variant classification. Additional details can be found in publication PMID: 35346344, PMCID: PMC8962531